The following is an entry in ClinVar:

ClinVar aggregate classification (germline): Uncertain significance (1 of 4 stars; one submission).

Allele frequency attached by ClinVar (database versions not stated): ExAC 0.00001; gnomAD 0.00001; gnomAD exomes 0.00001.
gnomAD v4.1: 9 of 1,611,522 alleles (0.00056%); highest among the groups gnomAD compares: Admixed American, 0.015%; no homozygotes.

Submission:

Labcorp Genetics (formerly Invitae), Labcorp
Classification: Uncertain significance. Last evaluated: 2024-09-04. Review status: criteria provided, single submitter. Criteria: Invitae Variant Classification Sherloc (09022015). Collection method: clinical testing. Allele origin: germline.
Comment: This sequence change replaces leucine, which is neutral and non-polar, with arginine, which is basic and polar, at codon 232 of the IKZF1 protein (p.Leu232Arg). This variant is present in population databases (rs768268906, gnomAD 0.02%). This variant has not been reported in the literature in individuals affected with IKZF1-related conditions. An algorithm developed to predict the effect of missense changes on protein structure and function (PolyPhen-2) suggests that this variant is likely to be disruptive. In summary, the available evidence is currently insufficient to determine the role of this variant in disease. Therefore, it has been classified as a Variant of Uncertain Significance.

NM_006060.6(IKZF1):c.695T>G (p.Leu232Arg)

Gene: IKZF1 (IKAROS family zinc finger 1; plus strand). Cytogenetic location: 7p12.2.
Variant type: single nucleotide variant.
Coding change: c.695T>G on transcript NM_006060.6 (MANE Select); coding-DNA position 695, T replaced by G.
Protein change: p.Leu232Arg; replaces leucine 232 with arginine.
Molecular consequence: missense variant. On other transcripts: intron variant (9).
Genome position (GRCh38, 1-based): chr7:50,387,450, T>G. VCF-style: chr7-50387450-T-G. GRCh37 (hg19) VCF-style: chr7-50455148-T-G.
Other names: c.434T>G, p.Leu145Arg (NM_001220767.2, NM_001291838.2); c.266T>G, p.Leu89Arg (NM_001291841.1, NM_001291842.1); c.755T>G, p.Leu252Arg (NM_001410879.1); c.329-4279T>G (NM_001291839.2, NM_001220770.2); c.590-4279T>G (NM_001220765.3, NM_001291837.2); c.589+4743T>G (NM_001220768.2); c.421+10657T>G (NM_001220771.2); c.161-4279T>G (NM_001291843.1, NM_001291844.1); and 1 more; short protein forms L89R, L145R, L232R, L252R.
Identifiers: ClinVar variation 2856895 (VCV002856895.3), dbSNP rs768268906, ClinGen allele CA4261353.